The following is an entry in ClinVar:

ClinVar aggregate classification (germline): Uncertain significance. Review status: criteria provided, multiple submitters, no conflicts (2 of 4 stars). 2 submissions from 2 submitters: Uncertain significance (2). Last evaluated 2024-02-02.

Conditions:
Hereditary pancreatitis (PCTT). Also called: PRSS1-Related Hereditary Pancreatitis; Hereditary chronic pancreatitis. Identifiers: Orphanet 676, MedGen C0238339, MONDO:0008185, OMIM 167800.

Allele frequency attached by ClinVar (database versions not stated): gnomAD exomes below 0.00001 and 0.00001; TOPMed below 0.00001.

Submissions (2):

Ambry Genetics
Classification: Uncertain significance for Hereditary pancreatitis. Last evaluated: 2024-02-02. Review status: criteria provided, single submitter. Criteria: Ambry Variant Classification Scheme 2023. Collection method: clinical testing. Allele origin: germline.
Comment: The p.K223N variant (also known as c.669G>C), located in coding exon 5 of the PRSS1 gene, results from a G to C substitution at nucleotide position 669. The lysine at codon 223 is replaced by asparagine, an amino acid with similar properties. This amino acid position is conserved. In addition, this alteration is predicted to be tolerated by in silico analysis. Since supporting evidence is limited at this time, the clinical significance of this alteration remains unclear.

Labcorp Genetics (formerly Invitae), Labcorp
Classification: Uncertain significance for Hereditary pancreatitis. Last evaluated: 2021-04-30. Review status: criteria provided, single submitter. Criteria: Invitae Variant Classification Sherloc (09022015). Collection method: clinical testing. Allele origin: germline.
Comment: This sequence change replaces lysine with asparagine at codon 223 of the PRSS1 protein (p.Lys223Asn). The lysine residue is highly conserved and there is a moderate physicochemical difference between lysine and asparagine. This variant is not present in population databases (ExAC no frequency). This variant has not been reported in the literature in individuals with PRSS1-related conditions. Algorithms developed to predict the effect of missense changes on protein structure and function are either unavailable or do not agree on the potential impact of this missense change (SIFT: "Deleterious"; PolyPhen-2: "Benign"; Align-GVGD: "Class C35"). In summary, the available evidence is currently insufficient to determine the role of this variant in disease. Therefore, it has been classified as a Variant of Uncertain Significance.

NM_002769.5(PRSS1):c.669G>C (p.Lys223Asn)

Genes: PRSS1 (serine protease 1; plus strand), TRB (T cell receptor beta locus; plus strand). Cytogenetic location: 7q34.
Variant type: single nucleotide variant.
Coding change: c.669G>C on transcript NM_002769.5 (MANE Select); coding-DNA position 669, G replaced by C.
Protein change: p.Lys223Asn; replaces lysine 223 with asparagine.
Molecular consequence: missense variant.
Genome position (GRCh38, 1-based): chr7:142,752,945, G>C. VCF-style: chr7-142752945-G-C. GRCh37 (hg19) VCF-style: chr7-142460796-G-C.
Other names: short protein forms K223N.
Identifiers: ClinVar variation 1469863 (VCV001469863.10), dbSNP rs1439609895, ClinGen allele CA369610797.